The following is an entry in ClinVar:

ClinVar aggregate classification (germline): Conflicting classifications of pathogenicity. Review status: criteria provided, conflicting classifications (1 of 4 stars). 3 submissions from 3 submitters: Uncertain significance (2); Benign (1). Last evaluated 2026-01-19.

Conditions:
Neurodegeneration with brain iron accumulation 5 (NBIA5). Also called: STATIC ENCEPHALOPATHY OF CHILDHOOD WITH NEURODEGENERATION IN ADULTHOOD; Beta-propeller protein-associated neurodegeneration. Identifiers: Orphanet 329284, MedGen C3550973, MONDO:0010476, OMIM 300894.

Allele frequency attached by ClinVar (database versions not stated): TOPMed 0.00003; 1000 Genomes Project 30x 0.00021; 1000 Genomes Project 0.00026; gnomAD 0.00003 and 0.00004; gnomAD exomes 0.00001.
gnomAD v4.1: 7 of 1,197,950 alleles (0.00058%); highest among the groups gnomAD compares: African/African-American, 0.012%; no homozygotes.

Submissions (3):

Labcorp Genetics (formerly Invitae), Labcorp
Classification: Benign for Neurodegeneration with brain iron accumulation 5. Last evaluated: 2026-01-19. Review status: criteria provided, single submitter. Criteria: Invitae Variant Classification Sherloc (09022015). Collection method: clinical testing. Allele origin: germline.

Dasa
Classification: Uncertain significance for Neurodegeneration with brain iron accumulation 5. Last evaluated: 2025-07-07. Review status: criteria provided, single submitter. Criteria: DASA Assertion Criteria. Collection method: clinical testing. Allele origin: germline.
Comment: NM_001029896.2(WDR45):c.155G>A (p.Gly52Asp) is a missense variant that results in the substitution of glycine with aspartic acid. This variant is rare in population databases. The currently available literature and clinical evidence are not sufficient to establish a definitive association between this variant and the reported condition. Therefore, this variant is classified as a variant of uncertain significance.

GeneDx
Classification: Uncertain significance. Last evaluated: 2023-06-21. Review status: criteria provided, single submitter. Criteria: GeneDx Variant Classification Process June 2021. Collection method: clinical testing. Allele origin: germline. Affected: yes.
Comment: In silico analysis, which includes protein predictors and evolutionary conservation, supports a deleterious effect; Has not been previously published as pathogenic or benign to our knowledge

NM_001029896.2(WDR45):c.155G>A (p.Gly52Asp)

Genes: WDR45 (WD repeat domain 45; minus strand), LOC126863256 (BRD4-independent group 4 enhancer GRCh37_chrX:48934848-48936047; plus strand). Cytogenetic location: Xp11.23.
Variant type: single nucleotide variant.
Coding change: c.155G>A on transcript NM_001029896.2 (MANE Select); coding-DNA position 155, G replaced by A.
Protein change: p.Gly52Asp; replaces glycine 52 with aspartic acid.
Molecular consequence: missense variant.
Genome position (GRCh38, 1-based): chrX:49,077,723, C>T on the plus strand (G>A on the coding strand, the complement: WDR45 is on the minus strand). VCF-style: chrX-49077723-C-T. GRCh37 (hg19) VCF-style: chrX-48935382-C-T.
Other names: c.155G>A, p.Gly52Asp (NM_007075.4); short protein forms G52D.
Identifiers: ClinVar variation 451036 (VCV000451036.15), dbSNP rs201716815, ClinGen allele CA10408600.
Genomic context (GRCh38, chrX:49,077,723, plus strand): 5'-GGACTACTACCACCGCCCACCAAGGCCAGAAGGTTGGAGCGGTGCAGCATCTCCACCAAG[C>T]CCATGCTGCCCACCTGCTCGTGGTCTGGACAGGGACCAGGGTGTCAGTGGAGGTGGGAGC-3'
Protein context (NP_001025067.1, residues 42-62): HLDHEQVGSM[Gly52Asp]LVEMLHRSNL